The following is an entry in ClinVar:

NM_015466.4(PTPN23):c.3185C>G (p.Pro1062Arg)

Gene: PTPN23 (protein tyrosine phosphatase non-receptor type 23; plus strand). Cytogenetic location: 3p21.31.
Variant type: single nucleotide variant.
Coding change: c.3185C>G on transcript NM_015466.4 (MANE Select); coding-DNA position 3185, C replaced by G.
Protein change: p.Pro1062Arg; replaces proline 1062 with arginine.
Molecular consequence: missense variant.
Genome position (GRCh38, 1-based): chr3:47,410,983, C>G. VCF-style: chr3-47410983-C-G. GRCh37 (hg19) VCF-style: chr3-47452473-C-G.
Other names: c.2807C>G, p.Pro936Arg (NM_001304482.2); short protein forms P1062R, P936R.
Identifiers: ClinVar variation 1416670 (VCV001416670.8), dbSNP rs1576231478, ClinGen allele CA352561311.
Genomic context (GRCh38, chr3:47,410,983, plus strand): 5'-CTCAGCCTCCCCATCCCCCACTGGCATATGGTCCTGCCCCTTCTACCAGACCCATGGGCC[C>G]CCAGGCAGCCCCTCTTACCATTCGAGGGCCCTCGTCTGCTGGCCAGTCCACCCCTAGTCC-3'
Protein context (NP_056281.1, residues 1052-1072): GPAPSTRPMG[Pro1062Arg]QAAPLTIRGP

ClinVar aggregate classification (germline): Uncertain significance. Review status: criteria provided, multiple submitters, no conflicts (2 of 4 stars). 2 submissions from 2 submitters: Uncertain significance (2). Last evaluated 2024-09-20.

Conditions:
Neurodevelopmental disorder and structural brain anomalies with or without seizures and spasticity. Identifiers: MedGen C5394423, MONDO:0030046, OMIM 618890.

Allele frequency attached by ClinVar (database versions not stated): gnomAD exomes below 0.00001.
gnomAD v4.1: 11 of 1,607,192 alleles (0.00068%); highest among the groups gnomAD compares: African/African-American, 0.0053%; no homozygotes.

Submissions (2):

3billion
Classification: Uncertain significance for Neurodevelopmental disorder and structural brain anomalies with or without seizures and spasticity. Last evaluated: 2024-09-20. Review status: criteria provided, single submitter. Criteria: ACMG Guidelines, 2015. Collection method: clinical testing. Allele origin: germline. Affected: no.
Comment: The variant is observed at an extremely low frequency in the gnomAD v2.1.1 dataset. In silico tool predictions suggest no damaging effect of the variant on gene or gene product [REVEL: 0.05 (<0.4)]. Therefore, this variant was classified as uncertain signficance. "

Labcorp Genetics (formerly Invitae), Labcorp
Classification: Uncertain significance. Last evaluated: 2023-04-24. Review status: criteria provided, single submitter. Criteria: Invitae Variant Classification Sherloc (09022015). Collection method: clinical testing. Allele origin: germline.
Comment: In summary, the available evidence is currently insufficient to determine the role of this variant in disease. Therefore, it has been classified as a Variant of Uncertain Significance. An algorithm developed to predict the effect of missense changes on protein structure and function (PolyPhen-2) suggests that this variant is likely to be disruptive. ClinVar contains an entry for this variant (Variation ID: 1416670). This variant has not been reported in the literature in individuals affected with PTPN23-related conditions. This variant is not present in population databases (gnomAD no frequency). This sequence change replaces proline, which is neutral and non-polar, with arginine, which is basic and polar, at codon 1062 of the PTPN23 protein (p.Pro1062Arg).